The following is an entry in ClinVar:

NM_001354604.2(MITF):c.818C>A (p.Pro273Gln)

Gene: MITF (melanocyte inducing transcription factor; plus strand). Cytogenetic location: 3p13.
Variant type: single nucleotide variant.
Coding change: c.818C>A on transcript NM_001354604.2 (MANE Select); coding-DNA position 818, C replaced by A.
Protein change: p.Pro273Gln; replaces proline 273 with glutamine.
Molecular consequence: missense variant.
Genome position (GRCh38, 1-based): chr3:69,949,106, C>A. VCF-style: chr3-69949106-C-A. GRCh37 (hg19) VCF-style: chr3-69998257-C-A.
Other names: c.497C>A, p.Pro166Gln (NM_000248.4, NM_198158.3); c.662C>A, p.Pro221Gln (NM_001184967.2, NM_001354608.2); c.815C>A, p.Pro272Gln (NM_001354605.2, NM_001354606.2, NM_006722.3); c.767C>A, p.Pro256Gln (NM_001354607.2); c.818C>A, p.Pro273Gln (NM_198159.3); c.770C>A, p.Pro257Gln (NM_198177.3); c.329C>A, p.Pro110Gln (NM_198178.3); short protein forms P110Q, P166Q, P221Q, P256Q, P257Q, P272Q, P273Q.
Identifiers: ClinVar variation 1313794 (VCV001313794.6), dbSNP rs1382417583, ClinGen allele CA353561349.
Genomic context (GRCh38, chr3:69,949,106, plus strand): 5'-TCTAGTTGCCTGTCTCGGGAAACTTGATTGATCTTTATGGAAACCAAGGTCTGCCCCCAC[C>A]AGGCCTCACCATCAGCAACTCCTGTCCAGCCAACCTTCCCAACATAAAAAGGGAGCTCAC-3'
Protein context (NP_001341533.1, residues 263-283): DLYGNQGLPP[Pro273Gln]GLTISNSCPA

ClinVar aggregate classification (germline): Uncertain significance. Review status: criteria provided, multiple submitters, no conflicts (2 of 4 stars). 3 submissions from 3 submitters: Uncertain significance (3). Last evaluated 2025-12-02.

Conditions:
Waardenburg syndrome type 2A (WS2A). Also called: WAARDENBURG SYNDROME WITHOUT DYSTOPIA CANTHORUM. Identifiers: Orphanet 3440, MedGen C1860339, MONDO:0008671, OMIM 193510.
Melanoma, cutaneous malignant, susceptibility to, 8. Also called: MELANOMA AND RENAL CELL CARCINOMA, SUSCEPTIBILITY TO; Cutaneous malignant melanoma 8. Identifiers: Orphanet 293822, MedGen C3152204, MONDO:0013759, OMIM 614456.
Tietz syndrome (TADS). Also called: ALBINISM-DEAFNESS OF TIETZ; TIETZ ALBINISM-DEAFNESS SYNDROME; HYPOPIGMENTATION/DEAFNESS OF TIETZ. Identifiers: Orphanet 42665, MedGen C0391816, MONDO:0007077, OMIM 103500.
Hereditary cancer-predisposing syndrome. Also called: Hereditary neoplastic syndrome; Neoplastic Syndromes, Hereditary; Tumor predisposition; Hereditary Cancer Syndrome. Identifiers: Orphanet 140162, MedGen C0027672, MeSH D009386, MONDO:0015356.

Allele frequency attached by ClinVar (database versions not stated): gnomAD exomes below 0.00001; gnomAD 0.00001; TOPMed 0.00001.
gnomAD v4.1: 3 of 1,613,642 alleles (0.00019%); highest among the groups gnomAD compares: Non-Finnish European, 0.00025%; no homozygotes.

Submissions (3):

Labcorp Genetics (formerly Invitae), Labcorp
Classification: Uncertain significance for Melanoma, cutaneous malignant, susceptibility to, 8; Waardenburg syndrome type 2A; Tietz syndrome. Last evaluated: 2025-12-02. Review status: criteria provided, single submitter. Criteria: Invitae Variant Classification Sherloc (09022015). Collection method: clinical testing. Allele origin: germline.
Comment: This sequence change replaces proline, which is neutral and non-polar, with glutamine, which is neutral and polar, at codon 166 of the MITF protein (p.Pro166Gln). This variant is not present in population databases (gnomAD no frequency). This variant has not been reported in the literature in individuals affected with MITF-related conditions. ClinVar contains an entry for this variant (Variation ID: 1313794). Invitae Evidence Modeling of protein sequence and biophysical properties (such as structural, functional, and spatial information, amino acid conservation, physicochemical variation, residue mobility, and thermodynamic stability) indicates that this missense variant is not expected to disrupt MITF protein function with a negative predictive value of 80%. In summary, the available evidence is currently insufficient to determine the role of this variant in disease. Therefore, it has been classified as a Variant of Uncertain Significance.

Ambry Genetics
Classification: Uncertain significance for Hereditary cancer-predisposing syndrome. Last evaluated: 2024-12-16. Review status: criteria provided, single submitter. Criteria: Ambry Variant Classification Scheme 2023. Collection method: clinical testing. Allele origin: germline.
Comment: The p.P166Q variant (also known as c.497C>A), located in coding exon 5 of the MITF gene, results from a C to A substitution at nucleotide position 497. The proline at codon 166 is replaced by glutamine, an amino acid with similar properties. This amino acid position is conserved. In addition, this alteration is predicted to be tolerated by in silico analysis. Based on the available evidence, the clinical significance of this variant remains unclear.

GeneDx
Classification: Uncertain significance. Last evaluated: 2021-01-08. Review status: criteria provided, single submitter. Criteria: GeneDx Variant Classification Process June 2021. Collection method: clinical testing. Allele origin: germline. Affected: yes.
Comment: Not observed in large population cohorts (Lek 2016); In silico analysis supports that this missense variant has a deleterious effect on protein structure/function; Has not been previously published as pathogenic or benign to our knowledge